The following is an entry in ClinVar:

ClinVar aggregate classification (germline): Likely pathogenic (1 of 4 stars; one submission).

Conditions:
Neurodevelopmental-craniofacial syndrome with variable renal and cardiac abnormalities. Identifiers: MedGen C5561984, MONDO:0859190, OMIM 619522.

Submission:

3billion
Classification: Likely pathogenic for Neurodevelopmental-craniofacial syndrome with variable renal and cardiac abnormalities. Last evaluated: 2025-05-19. Review status: criteria provided, single submitter. Criteria: ACMG Guidelines, 2015. Collection method: clinical testing. Allele origin: germline. Affected: yes.
Comment: The variant is not observed in the gnomAD v4.1.0 dataset. Predicted Consequence/Location: Stop-gained (nonsense): predicted to result in a loss or disruption of normal protein function through nonsense-mediated decay (NMD) or protein truncation. Multiple pathogenic variants are reported downstream of the variant. Therefore, this variant is classified as Likely pathogenic according to the recommendation of ACMG/AMP guideline.

NM_197968.4(ZMYM2):c.2187T>G (p.Tyr729Ter)

Gene: ZMYM2 (zinc finger MYM-type containing 2; plus strand). Cytogenetic location: 13q12.11.
Variant type: single nucleotide variant.
Coding change: c.2187T>G on transcript NM_197968.4 (MANE Select); coding-DNA position 2187, T replaced by G.
Protein change: p.Tyr729Ter; replaces tyrosine 729 with a stop codon.
Molecular consequence: nonsense. On other transcripts: non-coding transcript variant (1).
Genome position (GRCh38, 1-based): chr13:20,036,804, T>G. VCF-style: chr13-20036804-T-G. GRCh37 (hg19) VCF-style: chr13-20610944-T-G.
Other names: c.2187T>G, p.Tyr729Ter (NM_001353162.3, NM_001353164.2, NM_001353165.2 and 5 more transcripts); c.1926T>G, p.Tyr642Ter (NM_001353163.2); c.1992T>G, p.Tyr664Ter (NM_001353161.3); short protein forms Y642*, Y664*, Y729*.
Identifiers: ClinVar variation 4854170 (VCV004854170.1).